The following is an entry in ClinVar:

ClinVar aggregate classification (germline): Uncertain significance (1 of 4 stars; one submission).

Conditions:
Inborn genetic diseases. Identifiers: MedGen C0950123, MeSH D030342.

Submission:

Ambry Genetics
Classification: Uncertain significance for Inborn genetic diseases. Last evaluated: 2025-09-21. Review status: criteria provided, single submitter. Criteria: Ambry Variant Classification Scheme 2023. Collection method: clinical testing. Allele origin: germline.
Comment: The p.L887R variant (also known as c.2660T>G), located in coding exon 12 of the BMPR2 gene, results from a T to G substitution at nucleotide position 2660. The leucine at codon 887 is replaced by arginine, an amino acid with dissimilar properties. This amino acid position is conserved. In addition, the in silico prediction for this alteration is inconclusive. Based on the available evidence, the clinical significance of this variant remains unclear.

NM_001204.7(BMPR2):c.2660T>G (p.Leu887Arg)

Gene: BMPR2 (bone morphogenetic protein receptor type 2; plus strand). Cytogenetic location: 2q33.2.
Variant type: single nucleotide variant.
Coding change: c.2660T>G on transcript NM_001204.7 (MANE Select); coding-DNA position 2660, T replaced by G.
Protein change: p.Leu887Arg; replaces leucine 887 with arginine.
Molecular consequence: missense variant.
Genome position (GRCh38, 1-based): chr2:202,556,325, T>G. VCF-style: chr2-202556325-T-G. GRCh37 (hg19) VCF-style: chr2-203421048-T-G.
Other names: short protein forms L887R.
Identifiers: ClinVar variation 4597036 (VCV004597036.1).